The following is an entry in ClinVar:

ClinVar aggregate classification (germline): Conflicting classifications of pathogenicity. Review status: criteria provided, conflicting classifications (1 of 4 stars). 3 submissions from 2 submitters: Uncertain significance (2); Likely benign (1). Last evaluated 2020-04-06.

Conditions:
Transient Neonatal Diabetes, Dominant/Recessive.
Maturity-onset diabetes of the young type 10. Identifiers: Orphanet 552, MedGen C3150617, MONDO:0013240, OMIM 613370.

Allele frequency attached by ClinVar (database versions not stated): TOPMed 0.00001.
gnomAD v4.1: 73 of 1,612,246 alleles (0.0045%); highest among the groups gnomAD compares: Non-Finnish European, 0.0058%; 1 homozygote.

Submissions (3):

Genetic Services Laboratory, University of Chicago
Classification: Uncertain significance. Last evaluated: 2020-04-06. Review status: criteria provided, single submitter. Criteria: ACMG Guidelines, 2015. Collection method: clinical testing. Allele origin: germline. Affected: no.

Illumina Laboratory Services, Illumina
Classification: Likely benign for Maturity-onset diabetes of the young type 10. Last evaluated: 2017-09-29. Review status: criteria provided, single submitter. Criteria: ICSL Variant Classification Criteria 13 December 2019. Collection method: clinical testing. Allele origin: germline.
Comment: This variant was observed as part of a predisposition screen in an ostensibly healthy population. A literature search was performed for the gene, cDNA change, and amino acid change (where applicable). No publications were found based on this search. Allele frequency data from public databases allowed determination this variant is unlikely to cause disease. Therefore, this variant is classified as likely benign.

Illumina Laboratory Services, Illumina
Classification: Uncertain significance for Transient Neonatal Diabetes, Dominant/Recessive. Last evaluated: 2017-04-27. Review status: criteria provided, single submitter. Criteria: ICSL Variant Classification Criteria 13 December 2019. Collection method: clinical testing. Allele origin: germline.

NM_000207.3(INS):c.153A>G (p.Thr51=)

Genes: INS (insulin; minus strand), INS-IGF2 (INS-IGF2 readthrough; minus strand). Cytogenetic location: 11p15.5.
Variant type: single nucleotide variant.
Coding change: c.153A>G on transcript NM_000207.3 (MANE Select); coding-DNA position 153, A replaced by G.
Protein change: p.Thr51=; no amino-acid change (threonine 51 retained).
Molecular consequence: synonymous variant. On other transcripts: non-coding transcript variant (1).
Genome position (GRCh38, 1-based): chr11:2,160,819, T>C on the plus strand (A>G on the coding strand, the complement: INS is on the minus strand). VCF-style: chr11-2160819-T-C. GRCh37 (hg19) VCF-style: chr11-2182049-T-C.
Other names: c.153A>G, p.Thr51= (NM_001185097.2, NM_001185098.2, NM_001291897.2 and 1 more transcripts).
Identifiers: ClinVar variation 304054 (VCV000304054.8), dbSNP rs773789432, ClinGen allele CA5818184.